The following is an entry in ClinVar:

NM_002979.5(SCP2):c.215G>A (p.Gly72Glu)

Gene: SCP2 (sterol carrier protein 2; plus strand). Cytogenetic location: 1p32.3.
Variant type: single nucleotide variant.
Coding change: c.215G>A on transcript NM_002979.5 (MANE Select); coding-DNA position 215, G replaced by A.
Protein change: p.Gly72Glu; replaces glycine 72 with glutamic acid.
Molecular consequence: missense variant. On other transcripts: 5 prime UTR variant (1), intron variant (2).
Genome position (GRCh38, 1-based): chr1:52,950,770, G>A. VCF-style: chr1-52950770-G-A. GRCh37 (hg19) VCF-style: chr1-53416442-G-A.
Other names: c.143G>A, p.Gly48Glu (NM_001193599.2); c.-29G>A (NM_001193617.2); c.215G>A, p.Gly72Glu (NM_001330587.2); c.199+2690G>A (NM_001193600.2, NM_001007098.3); short protein forms G72E, G48E.
Identifiers: ClinVar variation 1471727 (VCV001471727.8), dbSNP rs1655217201, ClinGen allele CA340386720.

ClinVar aggregate classification (germline): Uncertain significance (1 of 4 stars; one submission).

Submission:

Labcorp Genetics (formerly Invitae), Labcorp
Classification: Uncertain significance. Last evaluated: 2022-08-10. Review status: criteria provided, single submitter. Criteria: Invitae Variant Classification Sherloc (09022015). Collection method: clinical testing. Allele origin: germline.
Comment: Algorithms developed to predict the effect of missense changes on protein structure and function are either unavailable or do not agree on the potential impact of this missense change (SIFT: "Deleterious"; PolyPhen-2: "Probably Damaging"; Align-GVGD: "Class C0"). In summary, the available evidence is currently insufficient to determine the role of this variant in disease. Therefore, it has been classified as a Variant of Uncertain Significance. ClinVar contains an entry for this variant (Variation ID: 1471727). This variant has not been reported in the literature in individuals affected with SCP2-related conditions. This variant is not present in population databases (gnomAD no frequency). This sequence change replaces glycine, which is neutral and non-polar, with glutamic acid, which is acidic and polar, at codon 72 of the SCP2 protein (p.Gly72Glu).